The following is an entry in ClinVar:

NM_001130438.3(SPTAN1):c.3571C>T (p.Pro1191Ser)

Gene: SPTAN1 (spectrin alpha, non-erythrocytic 1; plus strand). Cytogenetic location: 9q34.11.
Variant type: single nucleotide variant.
Coding change: c.3571C>T on transcript NM_001130438.3 (MANE Select); coding-DNA position 3571, C replaced by T.
Protein change: p.Pro1191Ser; replaces proline 1191 with serine.
Molecular consequence: missense variant.
Genome position (GRCh38, 1-based): chr9:128,600,107, C>T. VCF-style: chr9-128600107-C-T. GRCh37 (hg19) VCF-style: chr9-131362386-C-T.
Other names: c.3511C>T, p.Pro1171Ser (NM_001195532.2, NM_001363765.2, NM_001375314.2); c.3571C>T, p.Pro1191Ser (NM_001363759.2, NM_001375310.1, NM_001375311.2 and 2 more transcripts); c.3607C>T, p.Pro1203Ser (NM_001375312.2, NM_001375318.1); short protein forms P1171S, P1203S, P1191S.
Identifiers: ClinVar variation 2883904 (VCV002883904.3), dbSNP rs1854906044, ClinGen allele CA375062655.

ClinVar aggregate classification (germline): Uncertain significance (1 of 4 stars; one submission).

Conditions:
Early-infantile DEE. Also called: Ohtahara syndrome; Early infantile epileptic encephalopathy; Early infantile epileptic encephalopathy with suppression bursts. Identifiers: Orphanet 1934, MedGen C0393706, MONDO:0800491.

Allele frequency attached by ClinVar (database versions not stated): TOPMed 0.00001.

Submission:

Labcorp Genetics (formerly Invitae), Labcorp
Classification: Uncertain significance for Early-infantile DEE. Last evaluated: 2025-11-12. Review status: criteria provided, single submitter. Criteria: Invitae Variant Classification Sherloc (09022015). Collection method: clinical testing. Allele origin: germline.
Comment: This sequence change replaces proline, which is neutral and non-polar, with serine, which is neutral and polar, at codon 1191 of the SPTAN1 protein (p.Pro1191Ser). This variant is not present in population databases (gnomAD no frequency). This variant has not been reported in the literature in individuals affected with SPTAN1-related conditions. ClinVar contains an entry for this variant (Variation ID: 2883904). Invitae Evidence Modeling of protein sequence and biophysical properties (such as structural, functional, and spatial information, amino acid conservation, physicochemical variation, residue mobility, and thermodynamic stability) has been performed for this missense variant. However, the output from this modeling did not meet the statistical confidence thresholds required to predict the impact of this variant on SPTAN1 protein function. In summary, the available evidence is currently insufficient to determine the role of this variant in disease. Therefore, it has been classified as a Variant of Uncertain Significance.